The following is an entry in ClinVar:

ClinVar aggregate classification (germline): Pathogenic (1 of 4 stars; one submission).

Conditions:
Familial adenomatous polyposis 2. Also called: FAP type 2; COLORECTAL ADENOMATOUS POLYPOSIS, AUTOSOMAL RECESSIVE; ADENOMAS, MULTIPLE COLORECTAL, AUTOSOMAL RECESSIVE; MYH-associated polyposis; MUTYH Polyposis; Adenomas, multiple colorectal. Identifiers: Orphanet 220460, Orphanet 247798, MedGen C3272841, MONDO:0012041, OMIM 608456.

Submission:

Labcorp Genetics (formerly Invitae), Labcorp
Classification: Pathogenic for Familial adenomatous polyposis 2. Last evaluated: 2025-09-19. Review status: criteria provided, single submitter. Criteria: Invitae Variant Classification Sherloc (09022015). Collection method: clinical testing. Allele origin: germline.
Comment: This sequence change creates a premature translational stop signal (p.Asp236Metfs*4) in the MUTYH gene. It is expected to result in an absent or disrupted protein product. Loss-of-function variants in MUTYH are known to be pathogenic (PMID: 18534194, 20663686). This variant is not present in population databases (gnomAD no frequency). This variant has not been reported in the literature in individuals affected with MUTYH-related conditions. For these reasons, this variant has been classified as Pathogenic.

Literature cited by the submitters: PubMed 18534194; PubMed 20663686.

NM_001048174.2(MUTYH):c.622del (p.Asp208fs)

Gene: MUTYH (mutY DNA glycosylase; minus strand). Cytogenetic location: 1p34.1.
Variant type: Deletion.
Coding change: c.622del on transcript NM_001048174.2 (MANE Select); coding-DNA position 622, one base deleted (G; older notation c.622delG).
Protein change: p.Asp208fs; shifts the reading frame from aspartic acid 208.
Molecular consequence: frameshift variant. On other transcripts: non-coding transcript variant (7).
Genome position (GRCh38, 1-based): chr1:45,332,473, C deleted on the plus strand (G on the coding strand, the reverse complement: MUTYH is on the minus strand); the first of 2 consecutive C bases (chr1:45,332,473-45,332,474); deleting either gives the same sequence. VCF-style (leftmost placement, unchanged base first): chr1-45332472-TC-T. GRCh37 (hg19) VCF-style: chr1-45798144-TC-T.
Other names: c.622del, p.Asp208fs (NM_001048171.2, NM_001048173.2, NM_001293195.2 and 6 more transcripts); c.625del, p.Asp209fs (NM_001048172.2, NM_001407071.1, NM_001407078.1 and 1 more transcripts); c.706del, p.Asp236fs (NM_001128425.2); c.667del, p.Asp223fs (NM_001293190.2); c.655del, p.Asp219fs (NM_001293191.2, NM_001407069.1, NM_001407077.1); c.346del, p.Asp116fs (NM_001293192.2, NM_001293196.2, NM_001407091.1); c.277del, p.Asp93fs (NM_001350650.2, NM_001350651.2, NM_001407082.1); c.538del, p.Asp180fs (NM_001407075.1); and 5 more; short protein forms D180fs, D208fs, D215fs, D219fs, D209fs, D223fs, D194fs, D195fs.
Identifiers: ClinVar variation 4727429 (VCV004727429.1).
Genomic context (GRCh38, chr1:45,332,472, plus strand): 5'-GTGCTGCTGGGATCAGCACCAATGGCTCGGACACGGCACAGCACCCGTGCTACGTTGCCA[TC>T]CACCACACCGGTTGCCTGGCACAGAGGGGCCAAAGAGTTAGCCTGGGCTGGGAGGAAGGA-3'